The following is an entry in ClinVar:

ClinVar aggregate classification (germline): Pathogenic (1 of 4 stars; one submission).

Submission:

Labcorp Genetics (formerly Invitae), Labcorp
Classification: Pathogenic. Last evaluated: 2021-06-14. Review status: criteria provided, single submitter. Criteria: Invitae Variant Classification Sherloc (09022015). Collection method: clinical testing. Allele origin: germline.
Comment: For these reasons, this variant has been classified as Pathogenic. This variant disrupts the C-terminus of the EYS protein. Other variant(s) that disrupt this region (p.Tyr3135*) have been determined to be pathogenic (PMID: 18976725, 30337596). This suggests that variants that disrupt this region of the protein are likely to be causative of disease. This variant has not been reported in the literature in individuals with EYS-related conditions. This variant is not present in population databases (ExAC no frequency). This sequence change creates a premature translational stop signal (p.Asn2893Lysfs*19) in the EYS gene. While this is not anticipated to result in nonsense mediated decay, it is expected to disrupt the last 252 amino acid(s) of the EYS protein.

Literature cited by the submitters: PubMed 18976725; PubMed 30337596.

NM_001142800.2(EYS):c.8678dup (p.Asn2893fs)

Genes: EYS (EGF-like photoreceptor maintenance factor; minus strand), PHF3 (PHD finger protein 3; plus strand). Cytogenetic location: 6q12.
Variant type: Duplication.
Coding change: c.8678dup on transcript NM_001142800.2 (MANE Select); coding-DNA position 8678, one base duplicated (A; older notation c.8678dupA).
Protein change: p.Asn2893fs; shifts the reading frame from asparagine 2893.
Molecular consequence: frameshift variant. On other transcripts: 3 prime UTR variant (5).
Genome position (GRCh38, 1-based): chr6:63,721,353, T duplicated on the plus strand (A on the coding strand, the reverse complement: EYS is on the minus strand); the first of 3 consecutive T bases (chr6:63,721,353-63,721,355); duplicating any one gives the same sequence. VCF-style (leftmost placement, unchanged base first): chr6-63721352-A-AT. GRCh37 (hg19) VCF-style: chr6-64431248-A-AT.
Other names: c.*7647dup (NM_001290259.2, NM_001370348.2, NM_001370349.2 and 2 more transcripts); c.8741dup, p.Asn2914fs (NM_001292009.2); short protein forms N2893fs, N2914fs.
Identifiers: ClinVar variation 1450031 (VCV001450031.8), dbSNP rs1554163929, ClinGen allele CA2573141295.
Genomic context (GRCh38, chr6:63,721,352, plus strand): 5'-AGACTGGTTACATGTATTTCCAGCCCAATCTGGCAAACATCTGCAAGAAAAAGTTGTGCC[A>AT]TTTACTGTACATTCACCTCCATTTCTGCATGTGTTGTACCCACAGGCTGTCCCATCACAG-3'